The following is an entry in ClinVar:

ClinVar aggregate classification (germline): Likely benign (0 of 4 stars; one submission).

Conditions:
APC-related disorder. Also called: APC-related condition.

Allele frequency attached by ClinVar (database versions not stated): TOPMed 0.00004; gnomAD 0.00003.
gnomAD v4.1: 4 of 152,168 alleles (0.0026%); highest among the groups gnomAD compares: African/African-American, 0.0072%; no homozygotes.

Submission:

PreventionGenetics, part of Exact Sciences
Classification: Likely benign for APC-related condition. Last evaluated: 2019-06-12. Review status: no assertion criteria provided. Collection method: clinical testing. Allele origin: germline.
Comment: This variant is classified as likely benign based on ACMG/AMP sequence variant interpretation guidelines (Richards et al. 2015 PMID: 25741868, with internal and published modifications).

NM_001127511.3(APC):c.166-28799A>G

Gene: APC (APC regulator of Wnt signaling pathway; plus strand). Cytogenetic location: 5q22.2.
Variant type: single nucleotide variant.
Coding change: c.166-28799A>G on transcript NM_001127511.3; 28799 bases into the intron before coding-DNA position 166, A replaced by G.
Molecular consequence: intron variant.
Genome position (GRCh38, 1-based): chr5:112,737,527, A>G. VCF-style: chr5-112737527-A-G. GRCh37 (hg19) VCF-style: chr5-112073224-A-G.
Other names: c.-1053-17346A>G (NM_001407470.1, NM_001407472.1); c.-18-17346A>G (NM_001407447.1, NM_001354895.2, NM_001407456.1 and 7 more transcripts); c.166-28799A>G (NM_001407446.1, NM_001354897.2, NM_001354902.2); c.-42-28799A>G (NM_001407453.1).
Identifiers: ClinVar variation 3034278 (VCV003034278.2), dbSNP rs1198592616, ClinGen allele CA802028638.